The following is an entry in ClinVar:

ClinVar aggregate classification (germline): Benign. Review status: criteria provided, multiple submitters, no conflicts (2 of 4 stars). 3 submissions from 3 submitters: Benign (2). 1 of the submissions does not count toward it. Last evaluated 2018-01-13.

Conditions:
Classic homocystinuria. Also called: Homocystinuria due to CBS deficiency; Cystathionine beta-synthase deficiency; CBS deficiency; Homocystinuria due to Cystathionine Beta-Synthase Deficiency; HOMOCYSTINURIA WITH OR WITHOUT RESPONSE TO PYRIDOXINE. Identifiers: Orphanet 394, MedGen C0751202, MONDO:0009352, OMIM 236200.

Allele frequency attached by ClinVar (database versions not stated): gnomAD 0.21968; 1000 Genomes Project 0.24161.

Submissions (14):

Illumina Laboratory Services, Illumina
Classification: Benign for Classic homocystinuria. Last evaluated: 2018-01-13. Review status: criteria provided, single submitter. Criteria: ICSL Variant Classification Criteria 13 December 2019. Collection method: clinical testing. Allele origin: germline.
Comment: This variant was observed in the ICSL laboratory as part of a predisposition screen in an ostensibly healthy population. It had not been previously curated by ICSL or reported in the Human Gene Mutation Database (HGMD: prior to June 1st, 2018), and was therefore a candidate for classification through an automated scoring system. Utilizing variant allele frequency, disease prevalence and penetrance estimates, and inheritance mode, an automated score was calculated to assess if this variant is too frequent to cause the disease. Based on the score and internal cut-off values, a variant classified as benign is not then subjected to further curation. The score for this variant resulted in a classification of benign for this disease.

Breakthrough Genomics
Classification: Benign. Review status: criteria provided, single submitter. Criteria: ACMG Guidelines, 2015. Collection method: not provided. Allele origin: germline. Inheritance: Autosomal recessive inheritance. Affected: yes.

Department of Pathology and Laboratory Medicine, Sinai Health System
Classification: Uncertain significance. Review status: no assertion criteria provided. Collection method: clinical testing. Allele origin: unknown. Affected: yes. Study: The Canadian Open Genetics Repository (COGR). Not counted in ClinVar's aggregate classification.
Comment: multiple AR variants in same gene - keep for nowAllele frequency is common in at least one population database (frequency: 24.161% in ONEKG) based on the frequency threshold of 1.432% for this gene.Variant was observed in a homozygous state in population databases more than expected for disease.1 reputable source/s reports the variant as benign, but the evidence is not available to the laboratory to perform an independent evaluation.A synonymous variant not located in a splice region.

Dr. Peter K. Rogan Lab, Western University
No classification provided (evidence only). Condition: Acute myeloid leukemia. Review status: no classification provided. Collection method: in vitro. Allele origin: not applicable. Functional consequence: retained intron. Not counted in ClinVar's aggregate classification.

Dr. Peter K. Rogan Lab, Western University
No classification provided (evidence only). Condition: Hepatocellular carcinoma. Review status: no classification provided. Collection method: in vitro. Allele origin: not applicable. Functional consequence: retained intron. Not counted in ClinVar's aggregate classification.

Dr. Peter K. Rogan Lab, Western University
No classification provided (evidence only). Condition: Nonpapillary renal cell carcinoma. Review status: no classification provided. Collection method: in vitro. Allele origin: not applicable. Functional consequence: retained intron. Not counted in ClinVar's aggregate classification.

Dr. Peter K. Rogan Lab, Western University
No classification provided (evidence only). Condition: Nonpapillary renal cell carcinoma. Review status: no classification provided. Collection method: in vitro. Allele origin: not applicable. Functional consequence: retained intron. Not counted in ClinVar's aggregate classification.

Dr. Peter K. Rogan Lab, Western University
No classification provided (evidence only). Condition: Nonpapillary renal cell carcinoma. Review status: no classification provided. Collection method: in vitro. Allele origin: not applicable. Functional consequence: retained intron. Not counted in ClinVar's aggregate classification.

Dr. Peter K. Rogan Lab, Western University
No classification provided (evidence only). Condition: Cholangiocarcinoma. Review status: no classification provided. Collection method: in vitro. Allele origin: not applicable. Functional consequence: retained intron. Not counted in ClinVar's aggregate classification.

Dr. Peter K. Rogan Lab, Western University
No classification provided (evidence only). Condition: Uterine carcinosarcoma. Review status: no classification provided. Collection method: in vitro. Allele origin: not applicable. Functional consequence: retained intron. Not counted in ClinVar's aggregate classification.

Dr. Peter K. Rogan Lab, Western University
No classification provided (evidence only). Condition: Uterine carcinosarcoma. Review status: no classification provided. Collection method: in vitro. Allele origin: not applicable. Functional consequence: retained intron. Not counted in ClinVar's aggregate classification.

Dr. Peter K. Rogan Lab, Western University
No classification provided (evidence only). Condition: Uterine carcinosarcoma. Review status: no classification provided. Collection method: in vitro. Allele origin: not applicable. Functional consequence: retained intron. Not counted in ClinVar's aggregate classification.

Dr. Peter K. Rogan Lab, Western University
No classification provided (evidence only). Condition: Acute myeloid leukemia. Review status: no classification provided. Collection method: in vitro. Allele origin: not applicable. Functional consequence: retained intron. Not counted in ClinVar's aggregate classification.

Dr. Peter K. Rogan Lab, Western University
No classification provided (evidence only). Condition: Acute myeloid leukemia. Review status: no classification provided. Collection method: in vitro. Allele origin: not applicable. Functional consequence: retained intron. Not counted in ClinVar's aggregate classification.

NM_000071.3(CBS):c.*123C>G

Gene: CBS (cystathionine beta-synthase; minus strand). Cytogenetic location: 21q22.3.
Variant type: single nucleotide variant.
Coding change: c.*123C>G on transcript NM_000071.3 (MANE Select); 123 bases downstream of the stop codon, C replaced by G.
Molecular consequence: 3 prime UTR variant. On other transcripts: intron variant (1).
Genome position (GRCh38, 1-based): chr21:43,053,757, G>C on the plus strand (C>G on the coding strand, the complement: CBS is on the minus strand). VCF-style: chr21-43053757-G-C. GRCh37 (hg19) VCF-style: chr21-44473867-G-C.
Other names: NC_000021.8:g.44473867G>C; c.*123C>G (NM_001178008.3, NM_001320298.2, NM_001321072.1); c.*18+105C>G (NM_001178009.3).
Identifiers: ClinVar variation 212838 (VCV000212838.8), dbSNP rs1051319, ClinGen allele CA323344.
Genomic context (GRCh38, chr21:43,053,757, plus strand): 5'-GTAAACAGGGCCATTTAGGAAGCCATGTGTTAACGAGGGGAGACGGATGCTCTGTGCCGT[G>C]TGCAGGGATAACGGTGCCAGGCCAGGCAGTTACCAATCACGCGTGTGTTTAGGGCTCAGG-3'